The following is an entry in ClinVar:

NM_001042492.3(NF1):c.6535del (p.Arg2179fs)

Gene: NF1 (neurofibromin 1; plus strand). Cytogenetic location: 17q11.2.
Variant type: Deletion.
Coding change: c.6535del on transcript NM_001042492.3 (MANE Select); coding-DNA position 6535, one base deleted (C; older notation c.6535delC).
Protein change: p.Arg2179fs; shifts the reading frame from arginine 2179.
Molecular consequence: frameshift variant.
Genome position (GRCh38, 1-based): chr17:31,337,475, C deleted; the last of 2 consecutive C bases (chr17:31,337,474-31,337,475); deleting either gives the same sequence. VCF-style (leftmost placement, unchanged base first): chr17-31337473-TC-T. GRCh37 (hg19) VCF-style: chr17-29664491-TC-T.
Other names: c.6472delC, p.Arg2158Valfs (NM_000267.4); short protein forms R2158fs, R2179fs.
Identifiers: ClinVar variation 2137995 (VCV002137995.4), dbSNP rs2508753671, ClinGen allele CA2580093391.
Genomic context (GRCh38, chr17:31,337,473, plus strand): 5'-TACCCAAATTTTACTTGCTGTTTGGCATTAGCAAAGTCAAGTCAGCTGCTGTCATTGCCT[TC>T]CGTTCCAGTTACCGGGACAGGTCATTCTCTCCTGGCTCCTATGAGAGAGAGACTTTTGCT-3'

ClinVar aggregate classification (germline): Pathogenic (1 of 4 stars; one submission).

Conditions:
Neurofibromatosis, type 1 (NF1). Also called: Peripheral type neurofibromatosis; VON RECKLINGHAUSEN DISEASE; NEUROFIBROMATOSIS, TYPE I, SOMATIC; Neurofibromatosis, type I. Identifiers: Orphanet 636, MedGen C0027831, MONDO:0018975, OMIM 162200. Disease mechanism: loss of function.

Submission:

Labcorp Genetics (formerly Invitae), Labcorp
Classification: Pathogenic for Neurofibromatosis, type 1. Last evaluated: 2024-02-17. Review status: criteria provided, single submitter. Criteria: Invitae Variant Classification Sherloc (09022015). Collection method: clinical testing. Allele origin: germline.
Comment: This sequence change creates a premature translational stop signal (p.Arg2158Valfs*21) in the NF1 gene. It is expected to result in an absent or disrupted protein product. Loss-of-function variants in NF1 are known to be pathogenic (PMID: 10712197, 23913538). This variant is not present in population databases (gnomAD no frequency). This premature translational stop signal has been observed in individual(s) with neurofibromatosis type 1 (PMID: 10712197). This variant is also known as 6471delC. ClinVar contains an entry for this variant (Variation ID: 2137995). For these reasons, this variant has been classified as Pathogenic.

Literature cited by the submitters: PubMed 10712197; PubMed 23913538.